The following is an entry in ClinVar:

NC_000002.11:g.(?_202334676)_(202523241_?)dup

Genes: STRADB (STE20 related adaptor beta; plus strand), CATSPERT (catsper channel auxiliary subunit tau; minus strand), MPP4 (MAGUK p55 scaffold protein 4; minus strand), TMEM237 (transmembrane protein 237; minus strand). Cytogenetic location: 2q33.1.
Variant type: Duplication.
Identifiers: ClinVar variation 1056052 (VCV001056052.1).

ClinVar aggregate classification (germline): Uncertain significance (1 of 4 stars; one submission).

Conditions:
Joubert syndrome 14 (JBTS14). Identifiers: MedGen C3280766, MONDO:0013745, OMIM 614424.

Submission:

Labcorp Genetics (formerly Invitae), Labcorp
Classification: Uncertain significance for Joubert syndrome 14. Last evaluated: 2020-07-03. Review status: criteria provided, single submitter. Criteria: Invitae Variant Classification Sherloc (09022015). Collection method: clinical testing. Allele origin: germline.
Comment: This variant results in a copy number gain of the genomic region encompassing the full coding sequence of the TMEM237 gene. The boundaries of this event are unknown as they extend beyond the assayed region for this gene and therefore may encompass additional genes. As the precise location of this event is unknown, it may be in tandem or it may be located elsewhere in the genome. This variant has not been reported in the literature in individuals with TMEM237-related conditions. In summary, the available evidence is currently insufficient to determine the role of this variant in disease. Therefore, it has been classified as a Variant of Uncertain Significance.